The following is an entry in ClinVar:

ClinVar aggregate classification (germline): Benign/Likely benign. Review status: criteria provided, multiple submitters, no conflicts (2 of 4 stars). 4 submissions from 4 submitters: Benign (2); Likely benign (1). 1 of the submissions does not count toward it. Last evaluated 2026-01-20.

Conditions:
ORC4-related disorder. Also called: ORC4-related condition.

Allele frequency attached by ClinVar (database versions not stated): gnomAD exomes 0.00024 and 0.00068; ExAC 0.00093; gnomAD 0.00281 and 0.00290; TOPMed 0.00310; ESP Exome Variant Server 0.00331; 1000 Genomes Project 0.00479; 1000 Genomes Project 30x 0.00593.
gnomAD v4.1: 770 of 1,568,650 alleles (0.049%); highest among the groups gnomAD compares: African/African-American, 0.92%; 2 homozygotes.

Submissions (4):

Labcorp Genetics (formerly Invitae), Labcorp
Classification: Benign. Last evaluated: 2026-01-20. Review status: criteria provided, single submitter. Criteria: Invitae Variant Classification Sherloc (09022015). Collection method: clinical testing. Allele origin: germline.

Blueprint Genetics
Classification: Likely benign. Last evaluated: 2024-06-05. Review status: criteria provided, single submitter. Criteria: ACMG Guidelines, 2015. Collection method: clinical testing. Allele origin: germline.

Breakthrough Genomics
Classification: Benign. Review status: criteria provided, single submitter. Criteria: ACMG Guidelines, 2015. Collection method: not provided. Allele origin: germline. Inheritance: Autosomal recessive inheritance. Affected: yes.

PreventionGenetics, part of Exact Sciences
Classification: Benign for ORC4-related condition. Last evaluated: 2020-05-26. Review status: no assertion criteria provided. Collection method: clinical testing. Allele origin: germline. Not counted in ClinVar's aggregate classification.
Comment: This variant is classified as benign based on ACMG/AMP sequence variant interpretation guidelines (Richards et al. 2015 PMID: 25741868, with internal and published modifications).

NM_181741.4(ORC4):c.963A>G (p.Leu321=)

Gene: ORC4 (origin recognition complex subunit 4; minus strand). Cytogenetic location: 2q23.1.
Variant type: single nucleotide variant.
Coding change: c.963A>G on transcript NM_181741.4 (MANE Select); coding-DNA position 963, A replaced by G.
Protein change: p.Leu321=; no amino-acid change (leucine 321 retained).
Molecular consequence: synonymous variant.
Genome position (GRCh38, 1-based): chr2:147,938,389, T>C on the plus strand (A>G on the coding strand, the complement: ORC4 is on the minus strand). VCF-style: chr2-147938389-T-C. GRCh37 (hg19) VCF-style: chr2-148695958-T-C.
Other names: c.963A>G, p.Leu321= (NM_001190879.3, NM_001374270.1, NM_002552.5 and 1 more transcripts); c.711A>G, p.Leu237= (NM_001190881.3, NM_001374272.1); c.741A>G, p.Leu247= (NM_001190882.3).
Identifiers: ClinVar variation 729067 (VCV000729067.14), dbSNP rs78758762, ClinGen allele CA1899422.
Genomic context (GRCh38, chr2:147,938,389, plus strand): 5'-TTCCTCATAGATGTCATTTAAATGTTTCATTGCTATTATAAGACAGATTTCCAAGACTGA[T>C]AGACCTACAGTAAAAGGGAAAAAAAACTATCAGTTTAATGACATATAAGACTGAAATAAC-3'
Protein context (NP_859525.1, residues 311-331): MDSKANIVHG[Leu321=]SVLEICLIIA